The following is an entry in ClinVar:

ClinVar aggregate classification (germline): Conflicting classifications of pathogenicity. Review status: criteria provided, conflicting classifications (1 of 4 stars). 3 submissions from 3 submitters: Uncertain significance (1); Likely benign (2). Last evaluated 2025-11-17.

Conditions:
Hereditary diffuse gastric adenocarcinoma (HDGC). Also called: DIFFUSE GASTRIC AND LOBULAR BREAST CANCER SYNDROME. Identifiers: Orphanet 26106, MedGen C1708349, MONDO:0007648, OMIM 137215.

Submissions (3):

Labcorp Genetics (formerly Invitae), Labcorp
Classification: Likely benign. Last evaluated: 2025-11-17. Review status: criteria provided, single submitter. Criteria: Invitae Variant Classification Sherloc (09022015). Collection method: clinical testing. Allele origin: germline.

Myriad Genetics, Inc.
Classification: Likely benign for Hereditary diffuse gastric adenocarcinoma. Last evaluated: 2024-10-10. Review status: criteria provided, single submitter. Criteria: Myriad Autosomal Dominant, Autosomal Recessive and X-Linked Classification Criteria (2023). Collection method: clinical testing. Allele origin: unknown.
Comment: This variant is considered likely benign. This variant is intronic and is not expected to impact mRNA splicing.

Blueprint Genetics
Classification: Uncertain significance. Last evaluated: 2022-06-08. Review status: criteria provided, single submitter. Criteria: ACMG Guidelines, 2015. Collection method: clinical testing. Allele origin: germline.

NM_001903.5(CTNNA1):c.859-8del

Gene: CTNNA1 (catenin alpha 1; plus strand). Cytogenetic location: 5q31.2.
Variant type: Deletion.
Coding change: c.859-8del on transcript NM_001903.5 (MANE Select); 8 bases into the intron before coding-DNA position 859, one base deleted (C; older notation c.859-8delC).
Molecular consequence: intron variant.
Genome position (GRCh38, 1-based): chr5:138,827,507, C deleted. VCF-style (leftmost placement, unchanged base first): chr5-138827506-TC-T. GRCh37 (hg19) VCF-style: chr5-138163195-TC-T.
Other names: c.859-8del (NM_001323982.2, NM_001323984.2, NM_001290307.3 and 3 more transcripts); c.490-8del (NM_001290310.3); c.550-8del (NM_001290309.3).
Identifiers: ClinVar variation 1649208 (VCV001649208.10), dbSNP rs2149785367, ClinGen allele CA2573139017.